The following is an entry in ClinVar:

NM_016213.5(TRIP4):c.393T>C (p.Phe131=)

Gene: TRIP4 (thyroid hormone receptor interactor 4; plus strand). Cytogenetic location: 15q22.31.
Variant type: single nucleotide variant.
Coding change: c.393T>C on transcript NM_016213.5 (MANE Select); coding-DNA position 393, T replaced by C.
Protein change: p.Phe131=; no amino-acid change (phenylalanine 131 retained).
Molecular consequence: synonymous variant. On other transcripts: 5 prime UTR variant (1), non-coding transcript variant (1).
Genome position (GRCh38, 1-based): chr15:64,395,519, T>C. VCF-style: chr15-64395519-T-C. GRCh37 (hg19) VCF-style: chr15-64687718-T-C.
Other names: c.-298T>C (NM_001321924.2).
Identifiers: ClinVar variation 750236 (VCV000750236.7), dbSNP rs750011700, ClinGen allele CA7609360.

ClinVar aggregate classification (germline): Likely benign. Review status: criteria provided, single submitter (1 of 4 stars). 2 submissions from 2 submitters: Likely benign (1). 1 of the submissions does not count toward it. Last evaluated 2024-03-05.

Conditions:
TRIP4-related disorder. Also called: TRIP4-related disorders; TRIP4-related condition.

Allele frequency attached by ClinVar (database versions not stated): ExAC 0.00001; gnomAD exomes 0.00001 and 0.00002; TOPMed 0.00003; gnomAD 0.00004.
gnomAD v4.1: 35 of 1,610,528 alleles (0.0022%); highest among the groups gnomAD compares: Middle Eastern, 0.049%; no homozygotes.

Submissions (2):

Labcorp Genetics (formerly Invitae), Labcorp
Classification: Likely benign. Last evaluated: 2024-03-05. Review status: criteria provided, single submitter. Criteria: Invitae Variant Classification Sherloc (09022015). Collection method: clinical testing. Allele origin: germline.

PreventionGenetics, part of Exact Sciences
Classification: Likely benign for TRIP4-related condition. Last evaluated: 2019-03-01. Review status: no assertion criteria provided. Collection method: clinical testing. Allele origin: germline. Not counted in ClinVar's aggregate classification.
Comment: This variant is classified as likely benign based on ACMG/AMP sequence variant interpretation guidelines (Richards et al. 2015 PMID: 25741868, with internal and published modifications).